The following is an entry in ClinVar:

ClinVar aggregate classification (germline): Uncertain significance (1 of 4 stars; one submission).

Conditions:
Epileptic encephalopathy. Identifiers: MedGen C0543888, HP:0200134.

gnomAD v4.1: 2 of 1,612,630 alleles (0.00012%); highest among the groups gnomAD compares: African/African-American, 0.0013%; no homozygotes.

Submission:

Labcorp Genetics (formerly Invitae), Labcorp
Classification: Uncertain significance for Epileptic encephalopathy. Last evaluated: 2022-08-23. Review status: criteria provided, single submitter. Criteria: Invitae Variant Classification Sherloc (09022015). Collection method: clinical testing. Allele origin: germline.
Comment: This variant is not present in population databases (gnomAD no frequency). This sequence change replaces serine, which is neutral and polar, with phenylalanine, which is neutral and non-polar, at codon 1604 of the RYR3 protein (p.Ser1604Phe). This variant has not been reported in the literature in individuals affected with RYR3-related conditions. In summary, the available evidence is currently insufficient to determine the role of this variant in disease. Therefore, it has been classified as a Variant of Uncertain Significance. Algorithms developed to predict the effect of missense changes on protein structure and function are either unavailable or do not agree on the potential impact of this missense change (SIFT: "Deleterious"; PolyPhen-2: "Benign"; Align-GVGD: "Class C0"). ClinVar contains an entry for this variant (Variation ID: 578591).

NM_001036.6(RYR3):c.4811C>T (p.Ser1604Phe)

Gene: RYR3 (ryanodine receptor 3; plus strand). Cytogenetic location: 15q14.
Variant type: single nucleotide variant.
Coding change: c.4811C>T on transcript NM_001036.6 (MANE Select); coding-DNA position 4811, C replaced by T.
Protein change: p.Ser1604Phe; replaces serine 1604 with phenylalanine.
Molecular consequence: missense variant.
Genome position (GRCh38, 1-based): chr15:33,662,341, C>T. VCF-style: chr15-33662341-C-T. GRCh37 (hg19) VCF-style: chr15-33954542-C-T.
Other names: c.4811C>T, p.Ser1604Phe (NM_001243996.4); short protein forms S1604F.
Identifiers: ClinVar variation 578591 (VCV000578591.8), dbSNP rs764730525, ClinGen allele CA391569545.